The following is an entry in ClinVar:

ClinVar aggregate classification (germline): Likely benign. Review status: criteria provided, multiple submitters, no conflicts (2 of 4 stars). 5 submissions from 5 submitters: Likely benign (4). 1 of the submissions does not count toward it. Last evaluated 2025-11-17.

Conditions:
KIF1A-related disorder. Also called: KIF1A-related disorders; KIF1A-related condition.
Neuropathy, hereditary sensory, type 2C. Also called: KIF1A-Related HSAN2 (HSAN2C); Hereditary sensory and autonomic neuropathy type IIC. Identifiers: Orphanet 970, MedGen C3280168, MONDO:0013634, OMIM 614213.
Intellectual disability, autosomal dominant 9 (NESCAVS). Also called: NESCAV SYNDROME; KIF1A-Related Neurodevelopmental Disorder. Identifiers: Orphanet 662367, MedGen C5393830, MONDO:0013656, OMIM 614255.
Hereditary spastic paraplegia 30. Identifiers: Orphanet 101010, MedGen C5235139, MONDO:0012476.

Allele frequency attached by ClinVar (database versions not stated): ExAC 0.00002; gnomAD 0.00003; gnomAD exomes 0.00003; TOPMed 0.00008.
gnomAD v4.1: 196 of 1,612,080 alleles (0.012%); highest among the groups gnomAD compares: Non-Finnish European, 0.016%; no homozygotes.

Submissions (5):

Labcorp Genetics (formerly Invitae), Labcorp
Classification: Likely benign for Hereditary spastic paraplegia 30; Neuropathy, hereditary sensory, type 2C; Intellectual disability, autosomal dominant 9. Last evaluated: 2025-11-17. Review status: criteria provided, single submitter. Criteria: Invitae Variant Classification Sherloc (09022015). Collection method: clinical testing. Allele origin: germline.

ARUP Laboratories, Molecular Genetics and Genomics, ARUP Laboratories
Classification: Likely benign. Last evaluated: 2023-03-28. Review status: criteria provided, single submitter. Criteria: ARUP Molecular Germline Variant Investigation Process 2024. Collection method: clinical testing. Allele origin: germline.

CeGaT Center for Human Genetics Tuebingen
Classification: Likely benign. Last evaluated: 2022-05-01. Review status: criteria provided, single submitter. Criteria: CeGaT Center For Human Genetics Tuebingen Variant Classification Criteria Version 2. Collection method: clinical testing. Allele origin: germline. Affected: yes. Observed: 1 variant allele.
Comment: KIF1A: BP4, BP7

GeneDx
Classification: Likely benign. Last evaluated: 2021-04-21. Review status: criteria provided, single submitter. Criteria: GeneDx Variant Classification Process June 2021. Collection method: clinical testing. Allele origin: germline. Affected: yes.

PreventionGenetics, part of Exact Sciences
Classification: Likely benign for KIF1A-related condition. Last evaluated: 2023-02-08. Review status: no assertion criteria provided. Collection method: clinical testing. Allele origin: germline. Not counted in ClinVar's aggregate classification.
Comment: This variant is classified as likely benign based on ACMG/AMP sequence variant interpretation guidelines (Richards et al. 2015 PMID: 25741868, with internal and published modifications).

NM_001244008.2(KIF1A):c.4176C>T (p.Phe1392=)

Gene: KIF1A (kinesin family member 1A; minus strand). Cytogenetic location: 2q37.3.
Variant type: single nucleotide variant.
Coding change: c.4176C>T on transcript NM_001244008.2 (MANE Select); coding-DNA position 4176, C replaced by T.
Protein change: p.Phe1392=; no amino-acid change (phenylalanine 1392 retained).
Molecular consequence: synonymous variant.
Genome position (GRCh38, 1-based): chr2:240,725,351, G>A on the plus strand (C>T on the coding strand, the complement: KIF1A is on the minus strand). VCF-style: chr2-240725351-G-A. GRCh37 (hg19) VCF-style: chr2-241664768-G-A.
Other names: c.4176C>T (NM_001244008.1); c.3900C>T, p.Phe1300= (NM_001320705.2, NM_001379649.1); c.3927C>T, p.Phe1309= (NM_001330289.2); c.3975C>T, p.Phe1325= (NM_001330290.2, NM_001379648.1); c.4251C>T, p.Phe1417= (NM_001379631.1); c.4152C>T, p.Phe1384= (NM_001379632.1); c.4149C>T, p.Phe1383= (NM_001379633.1, NM_001379645.1); c.4002C>T, p.Phe1334= (NM_001379634.1); and 8 more.
Identifiers: ClinVar variation 706895 (VCV000706895.40), dbSNP rs754203456, ClinGen allele CA2207470.